The following is an entry in ClinVar:

ClinVar aggregate classification (germline): Pathogenic (1 of 4 stars; one submission).

Conditions:
Hereditary cancer-predisposing syndrome. Also called: Neoplastic Syndromes, Hereditary; Tumor predisposition; Hereditary Cancer Syndrome; Hereditary neoplastic syndrome. Identifiers: Orphanet 140162, MedGen C0027672, MeSH D009386, MONDO:0015356.

Submission:

Ambry Genetics
Classification: Pathogenic for Hereditary cancer-predisposing syndrome. Last evaluated: 2024-11-05. Review status: criteria provided, single submitter. Criteria: Ambry Variant Classification Scheme 2023. Collection method: clinical testing. Allele origin: germline.
Comment: The c.1535delT pathogenic mutation, located in coding exon 17 of the RB1 gene, results from a deletion of one nucleotide at nucleotide position 1535, causing a translational frameshift with a predicted alternate stop codon (p.L512Cfs*7). This variant is considered to be rare based on population cohorts in the Genome Aggregation Database (gnomAD). This alteration is expected to result in loss of function by premature protein truncation or nonsense-mediated mRNA decay. As such, this alteration is interpreted as a disease-causing mutation.

NM_000321.3(RB1):c.1535del (p.Leu512fs)

Gene: RB1 (RB transcriptional corepressor 1; plus strand). Cytogenetic location: 13q14.2.
Variant type: Deletion.
Coding change: c.1535del on transcript NM_000321.3 (MANE Select); coding-DNA position 1535, one base deleted (T; older notation c.1535delT).
Protein change: p.Leu512fs; shifts the reading frame from leucine 512.
Molecular consequence: frameshift variant.
Genome position (GRCh38, 1-based): chr13:48,381,283, T deleted; the last of 3 consecutive T bases (chr13:48,381,281-48,381,283); deleting any one gives the same sequence. VCF-style (leftmost placement, unchanged base first): chr13-48381280-AT-A. GRCh37 (hg19) VCF-style: chr13-48955416-AT-A.
Other names: c.1535del, p.Leu512fs (NM_001407165.1, NM_001407166.1); short protein forms L512fs.
Identifiers: ClinVar variation 3430918 (VCV003430918.1).